The following is an entry in ClinVar:

ClinVar aggregate classification (germline): Benign/Likely benign. Review status: criteria provided, multiple submitters, no conflicts (2 of 4 stars). 4 submissions from 4 submitters: Benign (1); Likely benign (3). Last evaluated 2025-12-29.

Conditions:
Hereditary cancer-predisposing syndrome. Also called: Neoplastic Syndromes, Hereditary; Tumor predisposition; Hereditary Cancer Syndrome; Hereditary neoplastic syndrome. Identifiers: Orphanet 140162, MedGen C0027672, MeSH D009386, MONDO:0015356.
Familial adenomatous polyposis 1 (FAP1). Also called: FAMILIAL ADENOMATOUS POLYPOSIS 1, ATTENUATED; POLYPOSIS, ADENOMATOUS INTESTINAL. Identifiers: MedGen C2713442, MONDO:0021056, OMIM 175100. Disease mechanism: loss of function.

Allele frequency attached by ClinVar (database versions not stated): gnomAD exomes below 0.00001.
gnomAD v4.1: 1 of 1,612,686 alleles (0.000062%); highest among the groups gnomAD compares: Non-Finnish European, 0.000085%; no homozygotes.

Submissions (4):

Ambry Genetics
Classification: Likely benign for Hereditary cancer-predisposing syndrome. Last evaluated: 2025-12-29. Review status: criteria provided, single submitter. Criteria: Ambry Variant Classification Scheme 2023. Collection method: clinical testing. Allele origin: germline.

Color Diagnostics, LLC DBA Color Health
Classification: Likely benign for Hereditary cancer-predisposing syndrome. Last evaluated: 2025-07-07. Review status: criteria provided, single submitter. Criteria: ACMG Guidelines, 2015. Collection method: clinical testing. Allele origin: germline.

Myriad Genetics, Inc.
Classification: Benign for Familial adenomatous polyposis 1. Last evaluated: 2024-04-05. Review status: criteria provided, single submitter. Criteria: Myriad Autosomal Dominant, Autosomal Recessive and X-Linked Classification Criteria (2023). Collection method: clinical testing. Allele origin: unknown.
Comment: This variant is considered benign. This variant is a silent/synonymous amino acid change and it is not expected to impact splicing.

Labcorp Genetics (formerly Invitae), Labcorp
Classification: Likely benign for Familial adenomatous polyposis 1. Last evaluated: 2022-09-03. Review status: criteria provided, single submitter. Criteria: Invitae Variant Classification Sherloc (09022015). Collection method: clinical testing. Allele origin: germline.

NM_000038.6(APC):c.6561A>C (p.Gly2187=)

Gene: APC (APC regulator of Wnt signaling pathway; plus strand). Cytogenetic location: 5q22.2.
Variant type: single nucleotide variant.
Coding change: c.6561A>C on transcript NM_000038.6 (MANE Select); coding-DNA position 6561, A replaced by C.
Protein change: p.Gly2187=; no amino-acid change (glycine 2187 retained).
Molecular consequence: synonymous variant. On other transcripts: non-coding transcript variant (2).
Genome position (GRCh38, 1-based): chr5:112,842,155, A>C. VCF-style: chr5-112842155-A-C. GRCh37 (hg19) VCF-style: chr5-112177852-A-C.
Other names: c.6561A>C, p.Gly2187= (NM_001127510.3, NM_001354895.2, NM_001407450.1); c.6507A>C, p.Gly2169= (NM_001127511.3); c.6615A>C, p.Gly2205= (NM_001354896.2, NM_001407447.1, NM_001407448.1 and 1 more transcripts); c.6591A>C, p.Gly2197= (NM_001354897.2); c.6486A>C, p.Gly2162= (NM_001354898.2); c.6477A>C, p.Gly2159= (NM_001354899.2); c.6438A>C, p.Gly2146= (NM_001354900.2); c.6384A>C, p.Gly2128= (NM_001354901.2, NM_001407453.1); and 12 more.
Identifiers: ClinVar variation 1958015 (VCV001958015.8), dbSNP rs2149967586, ClinGen allele CA446210758.